The following is an entry in ClinVar:

NM_002863.5(PYGL):c.1970-7C>G

Gene: PYGL (glycogen phosphorylase L; minus strand). Cytogenetic location: 14q22.1.
Variant type: single nucleotide variant.
Coding change: c.1970-7C>G on transcript NM_002863.5 (MANE Select); 7 bases into the intron before coding-DNA position 1970, C replaced by G.
Molecular consequence: intron variant.
Genome position (GRCh38, 1-based): chr14:50,910,109, G>C on the plus strand (C>G on the coding strand, the complement: PYGL is on the minus strand). VCF-style: chr14-50910109-G-C. GRCh37 (hg19) VCF-style: chr14-51376827-G-C.
Other names: c.1868-7C>G (NM_001163940.2).
Identifiers: ClinVar variation 2889116 (VCV002889116.3), dbSNP rs773029579, ClinGen allele CA7183259.

ClinVar aggregate classification (germline): Conflicting classifications of pathogenicity. Review status: criteria provided, conflicting classifications (1 of 4 stars). 2 submissions from 2 submitters: Uncertain significance (1); Likely benign (1). Last evaluated 2023-09-28.

Conditions:
Glycogen storage disease, type VI (GSD6). Also called: Glycogen storage disease type 6, due to phosphorylation; GSD VI; HERS DISEASE; PHOSPHORYLASE DEFICIENCY GLYCOGEN-STORAGE DISEASE OF LIVER; Glycogen storage disease type 6; Hepatic glycogen phosphorylase deficiency. Identifiers: Orphanet 369, MedGen C0017925, MONDO:0009294, OMIM 232700.

Allele frequency attached by ClinVar (database versions not stated): gnomAD exomes 0.00001; ExAC 0.00001; TOPMed 0.00001.
gnomAD v4.1: 4 of 1,611,240 alleles (0.00025%); highest among the groups gnomAD compares: Admixed American, 0.0067%; no homozygotes.

Submissions (2):

ARUP Laboratories, Molecular Genetics and Genomics, ARUP Laboratories
Classification: Uncertain significance for Glycogen storage disease, type VI. Last evaluated: 2023-09-28. Review status: criteria provided, single submitter. Criteria: ARUP Molecular Germline Variant Investigation Process 2024. Collection method: clinical testing. Allele origin: germline.
Comment: The PYGL c.1970-7C>G variant (rs773029579), to our knowledge, is not reported in the medical literature or gene specific databases. This variant is found in Latino/Admixed American population with an allele frequency of 0.012% (4/34,588 alleles) in the Genome Aggregation Database. This is an intronic variant in a weakly conserved nucleotide, but computational analyses (Alamut Visual Plus v.1.5.1) predict that this variant may impact splicing by weakening the nearby canonical acceptor splice site. However, given the lack of clinical and functional data, the significance of this variant is uncertain at this time.

Labcorp Genetics (formerly Invitae), Labcorp
Classification: Likely benign for Glycogen storage disease, type VI. Last evaluated: 2023-03-08. Review status: criteria provided, single submitter. Criteria: Invitae Variant Classification Sherloc (09022015). Collection method: clinical testing. Allele origin: germline.